The following is an entry in ClinVar:

NM_013275.6(ANKRD11):c.2936G>A (p.Cys979Tyr)

Gene: ANKRD11 (ankyrin repeat domain 11; minus strand). Cytogenetic location: 16q24.3.
Variant type: single nucleotide variant.
Coding change: c.2936G>A on transcript NM_013275.6 (MANE Select); coding-DNA position 2936, G replaced by A.
Protein change: p.Cys979Tyr; replaces cysteine 979 with tyrosine.
Molecular consequence: missense variant.
Genome position (GRCh38, 1-based): chr16:89,283,606, C>T on the plus strand (G>A on the coding strand, the complement: ANKRD11 is on the minus strand). VCF-style: chr16-89283606-C-T. GRCh37 (hg19) VCF-style: chr16-89350014-C-T.
Other names: c.2936G>A, p.Cys979Tyr (NM_001256182.2, NM_001256183.2); short protein forms C979Y.
Identifiers: ClinVar variation 2727136 (VCV002727136.10), dbSNP rs1287797213, ClinGen allele CA397160962.

ClinVar aggregate classification (germline): Uncertain significance. Review status: criteria provided, multiple submitters, no conflicts (2 of 4 stars). 2 submissions from 2 submitters: Uncertain significance (2). Last evaluated 2025-09-08.

Conditions:
KBG syndrome (KBGS). Also called: ANKRD11-Related KBG Syndrome. Identifiers: Orphanet 2332, MedGen C0220687, MONDO:0007846, OMIM 148050.

Allele frequency attached by ClinVar (database versions not stated): gnomAD exomes below 0.00001; gnomAD 0.00001; TOPMed 0.00001.
gnomAD v4.1: 9 of 1,609,984 alleles (0.00056%); highest among the groups gnomAD compares: Admixed American, 0.005%; no homozygotes.

Submissions (2):

Labcorp Genetics (formerly Invitae), Labcorp
Classification: Uncertain significance for KBG syndrome. Last evaluated: 2025-09-08. Review status: criteria provided, single submitter. Criteria: Invitae Variant Classification Sherloc (09022015). Collection method: clinical testing. Allele origin: germline.
Comment: This sequence change replaces cysteine, which is neutral and slightly polar, with tyrosine, which is neutral and polar, at codon 979 of the ANKRD11 protein (p.Cys979Tyr). This variant is not present in population databases (gnomAD no frequency). This variant has not been reported in the literature in individuals affected with ANKRD11-related conditions. ClinVar contains an entry for this variant (Variation ID: 2727136). Invitae Evidence Modeling of protein sequence and biophysical properties (such as structural, functional, and spatial information, amino acid conservation, physicochemical variation, residue mobility, and thermodynamic stability) indicates that this missense variant is not expected to disrupt ANKRD11 protein function with a negative predictive value of 95%. In summary, the available evidence is currently insufficient to determine the role of this variant in disease. Therefore, it has been classified as a Variant of Uncertain Significance.

CeGaT Center for Human Genetics Tuebingen
Classification: Uncertain significance. Last evaluated: 2025-09-01. Review status: criteria provided, single submitter. Criteria: CeGaT Center For Human Genetics Tuebingen Variant Classification Criteria Version 2. Collection method: clinical testing. Allele origin: germline. Affected: yes. Observed: 1 variant allele.
Comment: ANKRD11: PM2, BP4